The following is an entry in ClinVar:

NM_000350.3(ABCA4):c.6802A>C (p.Ser2268Arg)

Gene: ABCA4 (ATP binding cassette subfamily A member 4; minus strand). Cytogenetic location: 1p22.1.
Variant type: single nucleotide variant.
Coding change: c.6802A>C on transcript NM_000350.3 (MANE Select); coding-DNA position 6802, A replaced by C.
Protein change: p.Ser2268Arg; replaces serine 2268 with arginine.
Molecular consequence: missense variant.
Genome position (GRCh38, 1-based): chr1:93,996,123, T>G on the plus strand (A>C on the coding strand, the complement: ABCA4 is on the minus strand). VCF-style: chr1-93996123-T-G. GRCh37 (hg19) VCF-style: chr1-94461679-T-G.
Other names: c.6580A>C, p.Ser2194Arg (NM_001425324.1); short protein forms S2268R, S2194R.
Identifiers: ClinVar variation 1349893 (VCV001349893.5), dbSNP rs1658992799, ClinGen allele CA341275693.

ClinVar aggregate classification (germline): Uncertain significance (1 of 4 stars; one submission).

Allele frequency attached by ClinVar (database versions not stated): gnomAD exomes below 0.00001.
gnomAD v4.1: 6 of 1,614,008 alleles (0.00037%); highest among the groups gnomAD compares: Non-Finnish European, 0.00051%; no homozygotes.

Submission:

Labcorp Genetics (formerly Invitae), Labcorp
Classification: Uncertain significance. Last evaluated: 2021-08-28. Review status: criteria provided, single submitter. Criteria: Invitae Variant Classification Sherloc (09022015). Collection method: clinical testing. Allele origin: germline.
Comment: This sequence change replaces serine with arginine at codon 2268 of the ABCA4 protein (p.Ser2268Arg). The serine residue is highly conserved and there is a moderate physicochemical difference between serine and arginine. This variant is not present in population databases (ExAC no frequency). This variant has not been reported in the literature in individuals affected with ABCA4-related conditions. Advanced modeling of protein sequence and biophysical properties (such as structural, functional, and spatial information, amino acid conservation, physicochemical variation, residue mobility, and thermodynamic stability) performed at Invitae indicates that this missense variant is not expected to disrupt ABCA4 protein function. In summary, the available evidence is currently insufficient to determine the role of this variant in disease. Therefore, it has been classified as a Variant of Uncertain Significance.